The following is an entry in ClinVar:

NM_000552.5(VWF):c.5446A>G (p.Arg1816Gly)

Gene: VWF (von Willebrand factor; minus strand). Cytogenetic location: 12p13.31.
Variant type: single nucleotide variant.
Coding change: c.5446A>G on transcript NM_000552.5 (MANE Select); coding-DNA position 5446, A replaced by G.
Protein change: p.Arg1816Gly; replaces arginine 1816 with glycine.
Molecular consequence: missense variant.
Genome position (GRCh38, 1-based): chr12:6,016,098, T>C on the plus strand (A>G on the coding strand, the complement: VWF is on the minus strand). VCF-style: chr12-6016098-T-C. GRCh37 (hg19) VCF-style: chr12-6125264-T-C.
Other names: short protein forms R1816G.
Identifiers: ClinVar variation 2633440 (VCV002633440.2), dbSNP rs1944053246, ClinGen allele CA383494874.
Genomic context (GRCh38, chr12:6,016,098, plus strand): 5'-ATTTCTGAAGTCTCGCTCTCCTGAATTGAGGACTGTACACCAGATTCTTACTGTTGGACC[T>C]GGCGGCATCAGCTGCTGCATCCACTGAATCCACAGAGACGTCCGTGACCAGGATGACCAC-3'
Protein context (NP_000543.3, residues 1806-1826): DSVDAAADAA[Arg1816Gly]SNRVTVFPIG

ClinVar aggregate classification (germline): Uncertain significance (1 of 4 stars; one submission).

Conditions:
VWF-related disorder. Also called: VWF-related condition; VWF-related disorders.

Allele frequency attached by ClinVar (database versions not stated): TOPMed below 0.00001; gnomAD 0.00001.
gnomAD v4.1: 1 of 1,614,044 alleles (0.000062%); highest among the groups gnomAD compares: Non-Finnish European, 0.000085%; no homozygotes.

Submission:

PreventionGenetics, part of Exact Sciences
Classification: Uncertain significance for VWF-related condition. Last evaluated: 2025-12-09. Review status: criteria provided, single submitter. Criteria: ACMG Guidelines, 2015. Collection method: clinical testing. Allele origin: germline.
Comment: The VWF c.5446A>G variant is predicted to result in the amino acid substitution p.Arg1816Gly. To our knowledge, this variant has not been reported in the literature or in a large population database (gnomAD), indicating this variant is rare. At this time, the clinical significance of this variant is uncertain due to the absence of conclusive functional and genetic evidence.